The following is an entry in ClinVar:

NM_033360.4(KRAS):c.439A>G (p.Lys147Glu)

Gene: KRAS (KRas proto-oncogene, GTPase; minus strand). Cytogenetic location: 12p12.1.
Variant type: single nucleotide variant.
Coding change: c.439A>G on transcript NM_033360.4 (MANE Plus Clinical); coding-DNA position 439, A replaced by G.
Protein change: p.Lys147Glu; replaces lysine 147 with glutamic acid.
Molecular consequence: missense variant.
Genome position (GRCh38, 1-based): chr12:25,225,625, T>C on the plus strand (A>G on the coding strand, the complement: KRAS is on the minus strand). VCF-style: chr12-25225625-T-C. GRCh37 (hg19) VCF-style: chr12-25378559-T-C.
Other names: c.439A>G, p.Lys147Glu (LRG_344t1, LRG_344t2, NM_001369786.1 and 2 more transcripts); short protein forms K147E.
Identifiers: ClinVar variation 31941 (VCV000031941.6), dbSNP rs387907206, ClinGen allele CA279985.

ClinVar aggregate classification (germline): Pathogenic/Likely pathogenic. Review status: criteria provided, multiple submitters, no conflicts (2 of 4 stars). 4 submissions from 4 submitters: Pathogenic (2); Likely pathogenic (1). 1 of the submissions does not count toward it. Last evaluated 2024-07-23.

Conditions:
KRAS-related disorder. Also called: KRAS-related disorders; KRAS-related condition.
Cardiofaciocutaneous syndrome 2 (CFC2). Also called: KRAS-Related Cardiofaciocutaneous Syndrome. Identifiers: Orphanet 1340, MedGen C3809005, MONDO:0014112, OMIM 615278.

Submissions (4):

Laboratoire de Génétique Moléculaire, CHU Bordeaux
Classification: Pathogenic for Cardiofaciocutaneous syndrome 2. Last evaluated: 2024-07-23. Review status: criteria provided, single submitter. Criteria: ACMG Guidelines, 2015. Collection method: clinical testing. Allele origin: germline. Affected: yes.

GeneDx
Classification: Pathogenic. Last evaluated: 2023-06-14. Review status: criteria provided, single submitter. Criteria: GeneDx Variant Classification Process June 2021. Collection method: clinical testing. Allele origin: germline. Affected: yes.
Comment: Published functional studies demonstrate that K147E variant increases activated KRAS levels (Cirstea et al., 2013); Not observed at significant frequency in large population cohorts (gnomAD); Missense variants in this gene are often considered pathogenic (HGMD); In silico analysis supports that this missense variant has a deleterious effect on protein structure/function; This variant is associated with the following publications: (PMID: 25412182, 36902296, 35373279, 33790768, 21797849, 23059812)

Blueprint Genetics
Classification: Likely pathogenic for KRAS-related disorders. Last evaluated: 2020-03-14. Review status: criteria provided, single submitter. Criteria: ACMG Guidelines, 2015. Collection method: clinical testing. Allele origin: de novo. Affected: yes. Observed: 2 variant alleles.

OMIM
Classification: Pathogenic for CARDIOFACIOCUTANEOUS SYNDROME 2. Last evaluated: 2013-01-15. Review status: no assertion criteria provided. Collection method: literature only. Allele origin: germline. Not counted in ClinVar's aggregate classification.

Literature cited by the submitters: PubMed 21797849 (cited by OMIM); PubMed 23059812 (cited by OMIM).